The following is an entry in ClinVar:

ClinVar aggregate classification (germline): Conflicting classifications of pathogenicity. Review status: criteria provided, conflicting classifications (1 of 4 stars). 4 submissions from 3 submitters: Uncertain significance (3); Likely benign (1). Last evaluated 2022-08-16.

Conditions:
Cone-rod dystrophy 13 (CORD13). Identifiers: Orphanet 1872, MedGen C2750720, MONDO:0011987, OMIM 608194.
Leber congenital amaurosis 6 (LCA6). Identifiers: Orphanet 65, MedGen C1854260, MONDO:0013446, OMIM 613826.

Allele frequency attached by ClinVar (database versions not stated): gnomAD exomes 0.00001 and 0.00007; ExAC 0.00013; gnomAD 0.00017 and 0.00020; TOPMed 0.00021; 1000 Genomes Project 0.00040; 1000 Genomes Project 30x 0.00047.

Submissions (4):

Labcorp Genetics (formerly Invitae), Labcorp
Classification: Uncertain significance for Leber congenital amaurosis 6; Cone-rod dystrophy 13. Last evaluated: 2022-08-16. Review status: criteria provided, single submitter. Criteria: Invitae Variant Classification Sherloc (09022015). Collection method: clinical testing. Allele origin: germline.
Comment: This sequence change replaces alanine, which is neutral and non-polar, with threonine, which is neutral and polar, at codon 303 of the RPGRIP1 protein (p.Ala303Thr). The frequency data for this variant in the population databases is considered unreliable, as metrics indicate poor data quality at this position in the gnomAD database. This variant has not been reported in the literature in individuals affected with RPGRIP1-related conditions. ClinVar contains an entry for this variant (Variation ID: 881817). Algorithms developed to predict the effect of missense changes on protein structure and function (SIFT, PolyPhen-2, Align-GVGD) all suggest that this variant is likely to be tolerated. In summary, the available evidence is currently insufficient to determine the role of this variant in disease. Therefore, it has been classified as a Variant of Uncertain Significance.

Blueprint Genetics
Classification: Likely benign. Last evaluated: 2022-06-06. Review status: criteria provided, single submitter. Criteria: ACMG Guidelines, 2015. Collection method: clinical testing. Allele origin: germline.

Illumina Laboratory Services, Illumina
Classification: Uncertain significance for Cone-rod dystrophy 13. Last evaluated: 2018-01-13. Review status: criteria provided, single submitter. Criteria: ICSL Variant Classification Criteria 13 December 2019. Collection method: clinical testing. Allele origin: germline.

Illumina Laboratory Services, Illumina
Classification: Uncertain significance for Leber congenital amaurosis 6. Last evaluated: 2018-01-13. Review status: criteria provided, single submitter. Criteria: ICSL Variant Classification Criteria 13 December 2019. Collection method: clinical testing. Allele origin: germline.

NM_020366.4(RPGRIP1):c.907G>A (p.Ala303Thr)

Gene: RPGRIP1 (RPGR interacting protein 1; plus strand). Cytogenetic location: 14q11.2.
Variant type: single nucleotide variant.
Coding change: c.907G>A on transcript NM_020366.4 (MANE Select); coding-DNA position 907, G replaced by A.
Protein change: p.Ala303Thr; replaces alanine 303 with threonine.
Molecular consequence: missense variant.
Genome position (GRCh38, 1-based): chr14:21,310,584, G>A. VCF-style: chr14-21310584-G-A. GRCh37 (hg19) VCF-style: chr14-21778743-G-A.
Other names: short protein forms A303T.
Identifiers: ClinVar variation 881817 (VCV000881817.7), dbSNP rs200168103, ClinGen allele CA7088783.
Genomic context (GRCh38, chr14:21,310,584, plus strand): 5'-GTGATAAATATATCATGAAATTGATAAATCAATAAAATAATAATAATTTCTTTCTTCCAG[G>A]CATACGAAACCTTGCTCCAGAAGGTACTTAATGAGAATTGAGTCTCTGTTTCTTAGTAAC-3'
Protein context (NP_065099.3, residues 293-313): TKAQLTEVQE[Ala303Thr]YETLLQKNQG